The following is an entry in ClinVar:

ClinVar aggregate classification (germline): Conflicting classifications of pathogenicity. Review status: criteria provided, conflicting classifications (1 of 4 stars). 5 submissions from 5 submitters: Pathogenic (1); Likely pathogenic (1); Uncertain significance (3). Last evaluated 2026-10-05.

Conditions:
Developmental and epileptic encephalopathy, 52 (DEE52). Also called: Epileptic encephalopathy, early infantile, 52. Identifiers: MedGen C4479236, MONDO:0033361, OMIM 617350.
Cardiovascular phenotype. Identifiers: MedGen CN230736.
Brugada syndrome 5 (BRGDA5). Identifiers: Orphanet 130, Orphanet 871, MedGen C2748541, MONDO:0013015, OMIM 612838.

Allele frequency attached by ClinVar (database versions not stated): gnomAD exomes below 0.00001; gnomAD 0.00001; TOPMed below 0.00001.
gnomAD v4.1: 5 of 1,613,926 alleles (0.00031%); highest among the groups gnomAD compares: Non-Finnish European, 0.00017%; no homozygotes.

Submissions (5):

GeneDx
Classification: Pathogenic. Last evaluated: 2026-10-05. Review status: criteria provided, single submitter. Criteria: GeneDx Variant Classification Process June 2021. Collection method: clinical testing. Allele origin: germline.
Comment: Published functional studies demonstrate a damaging effect on the conductance-voltage relationship, recovery from fast inactivation, and rate of channel fast inactivation compared to wild type (PMID: 33901312); In silico analysis supports that this missense variant has a deleterious effect on protein structure/function; Not observed at significant frequency in large population cohorts (gnomAD); This variant is associated with the following publications: (PMID: 24848745, 36291443, 33901312, 38539105)

Ambry Genetics
Classification: Uncertain significance for Cardiovascular phenotype. Last evaluated: 2026-09-03. Review status: criteria provided, single submitter. Criteria: Ambry Variant Classification Scheme 2023. Collection method: clinical testing. Allele origin: germline.
Comment: The p.R60C variant (also known as c.178C>T), located in coding exon 2 of the SCN1B gene, results from a C to T substitution at nucleotide position 178. The arginine at codon 60 is replaced by cysteine, an amino acid with highly dissimilar properties. This variant was detected in the homozygous state in two siblings with early infantile epileptic encephalopathy whose heterozygous parents were unaffected. Functional studies suggested this variant may impact sodium channel function (Scala M et al. Epilepsia. 2021 Jun;62(6):e82-e87). This variant was also reported in a control subject participating in an epilepsy study; however, detailed clinical information was not available (Della Mina E et al. Eur. J. Hum. Genet., 2015 Mar;23:354-62). This amino acid position is well conserved in available vertebrate species. In addition, the in silico prediction for this alteration is inconclusive. Since supporting evidence is limited at this time, the clinical significance of this alteration remains unclear.

Victorian Clinical Genetics Services, Murdoch Childrens Research Institute
Classification: Likely pathogenic for Developmental and epileptic encephalopathy, 52. Last evaluated: 2025-08-13. Review status: criteria provided, single submitter. Criteria: ACMG Guidelines, 2015. Collection method: clinical testing. Allele origin: germline. Affected: yes.
Comment: This variant is classified as Likely pathogenic. Evidence in support of pathogenic classification: Variant is present in gnomAD <0.01 (v4: 5 heterozygote(s), 0 homozygote(s)). - This variant has limited previous evidence of pathogenicity in unrelated individuals. This variant has been reported in a homozygous state in sisters with developmental delay and epilepsy (PMID:33901312). It has also been reported as a VUS in a heterozygous state in an individual with severe intellectual disability and global developmental delay, this individual was not listed as having epilepsy (PMID: 38539105). This variant has also been classified as pathogenic and VUS by clinical laboratories in ClinVar, and reported in trans with a pathogenic variant in an individual with seizures (VCGS internal cases); Missense variant predicted to be damaging by in silico tool(s) or highly conserved with a major amino acid change. Additional information: Variant is predicted to result in a missense amino acid change from Arg to Cys; This variant is heterozygous; This gene is associated with both recessive and dominant disease. This gene has been reported to be associated with both autosomal recessive and autosomal dominant epilepsy (OMIM); Alternative amino acid change(s) at the same position are present in gnomAD (Highest allele count: v4: 2 heterozygote(s), 0 homozygote(s)). - Functional evidence for this variant is inconclusive. Voltage-clamp studies showed some effect on neuronal sodium channel potential and channel availability (PMID:33901312); Other missense variants comparable to the one identified in this case have inconclusive previous evidence for pathogenicity. The p.(Arg60His) and p.(Arg60Leu) variants have been classified as VUS by clinical laboratories in ClinVar; Variant is located in the annotated Immunoglobulin V-set domain (DECIPHER); Loss of function is a known mechanism of disease in this gene and is associated with generalised epilepsy with febrile seizures plus, type 1 (GEFS+: MIM#604233), and developmental and epileptic encephalopathy 52 (MIM#617350); The condition associated with this gene has incomplete penetrance. The disease penetrance of variants associated with GEFS+ is found to be 62-76% (PMID: 36291443); Variants in this gene are known to have variable expressivity. Families with SCN1B-related epilepsy may have members with the same variant that are seizure-free, have febrile seizures or have epilepsy (most frequently FS+) (PMID: 36291443).

Labcorp Genetics (formerly Invitae), Labcorp
Classification: Uncertain significance for Brugada syndrome 5. Last evaluated: 2025-07-15. Review status: criteria provided, single submitter. Criteria: Invitae Variant Classification Sherloc (09022015). Collection method: clinical testing. Allele origin: germline.
Comment: This sequence change replaces arginine, which is basic and polar, with cysteine, which is neutral and slightly polar, at codon 60 of the SCN1B protein (p.Arg60Cys). This variant is not present in population databases (gnomAD no frequency). This missense change has been observed in individual(s) with clinical features of autosomal recessive developmental and epileptic encephalopathy (PMID: 33901312). It has also been observed to segregate with disease in related individuals. ClinVar contains an entry for this variant (Variation ID: 854719). An algorithm developed to predict the effect of missense changes on protein structure and function (PolyPhen-2) suggests that this variant is likely to be disruptive. Experimental studies have shown that this missense change affects SCN1B function (PMID: 33901312). In summary, the available evidence is currently insufficient to determine the role of this variant in disease. Therefore, it has been classified as a Variant of Uncertain Significance.

Blueprint Genetics
Classification: Uncertain significance. Last evaluated: 2023-12-15. Review status: criteria provided, single submitter. Criteria: ACMG Guidelines, 2015. Collection method: clinical testing. Allele origin: germline.

Literature cited by the submitters: PubMed 24848745 (cited by Ambry Genetics); PubMed 33901312 (cited by 3 submitters); PubMed 38539105 (cited by Victorian Clinical Genetics Services, Murdoch Childrens Research Institute); PubMed 36291443 (cited by Victorian Clinical Genetics Services, Murdoch Childrens Research Institute).

NM_001037.5(SCN1B):c.178C>T (p.Arg60Cys)

Gene: SCN1B (sodium voltage-gated channel beta subunit 1; plus strand). Cytogenetic location: 19q13.11.
Variant type: single nucleotide variant.
Coding change: c.178C>T on transcript NM_001037.5 (MANE Select); coding-DNA position 178, C replaced by T.
Protein change: p.Arg60Cys; replaces arginine 60 with cysteine.
Molecular consequence: missense variant.
Genome position (GRCh38, 1-based): chr19:35,032,665, C>T. VCF-style: chr19-35032665-C-T. GRCh37 (hg19) VCF-style: chr19-35523569-C-T.
Other names: c.79C>T, p.Arg27Cys (NM_001321605.2); c.178C>T, p.Arg60Cys (NM_199037.5); short protein forms R27C, R60C.
Identifiers: ClinVar variation 854719 (VCV000854719.22), dbSNP rs2064221873, ClinGen allele CA405328288.